The following is an entry in ClinVar:

ClinVar aggregate classification (germline): Pathogenic (1 of 4 stars; one submission).

Submission:

GeneDx
Classification: Pathogenic. Last evaluated: 2015-05-01. Review status: criteria provided, single submitter. Criteria: GeneDx Variant Classification (06012015). Collection method: clinical testing. Allele origin: germline. Affected: yes.
Comment: The c.40dupG variant in the NIPBL gene causes a frameshift starting with codon Alanine 14, changes this amino acid to a Glycine residue and creates a premature Stop codon at position 5 of the new reading frame, denoted p.Ala14GlyfsX5. This variant is predicted to cause loss of normal protein function either through protein truncation or nonsense-mediated mRNA decay. The c.40dupG variant was not observed in approximately 6,500 individuals of European and African American ancestry in the NHLBI Exome Sequencing Project, indicating it is not a common benign variant in these populations.

NM_133433.4(NIPBL):c.40dup (p.Ala14fs)

Gene: NIPBL (NIPBL cohesin loading factor; plus strand). Cytogenetic location: 5p13.2.
Variant type: Duplication.
Coding change: c.40dup on transcript NM_133433.4 (MANE Select); coding-DNA position 40, one base duplicated (G; older notation c.40dupG).
Protein change: p.Ala14fs; shifts the reading frame from alanine 14.
Molecular consequence: frameshift variant.
Genome position (GRCh38, 1-based): chr5:36,953,736, G duplicated. VCF-style (leftmost placement, unchanged base first): chr5-36953735-T-TG. GRCh37 (hg19) VCF-style: chr5-36953837-T-TG.
Other names: c.40dup, p.Ala14fs (NM_015384.5); short protein forms A14fs.
Identifiers: ClinVar variation 279947 (VCV000279947.2), dbSNP rs886041275, ClinGen allele CA10602973.
Genomic context (GRCh38, chr5:36,953,735, plus strand): 5'-AACACCATTCCAGAAATTCAGGATGAATGGGGATATGCCCCATGTCCCCATTACTACTCT[T>TG]GCGGGGATTGCTAGTCTCACAGACCGTAAGTTTGGTTAATTTATCTAATTTAAGTTCTAC-3'